The following is an entry in ClinVar:

ClinVar aggregate classification (germline): Uncertain significance (1 of 4 stars; one submission).

Submission:

GeneDx
Classification: Uncertain significance. Last evaluated: 2026-04-20. Review status: criteria provided, single submitter. Criteria: GeneDx Variant Classification Process June 2021. Collection method: clinical testing. Allele origin: germline.
Comment: Not observed at significant frequency in large population cohorts (gnomAD); In silico analysis supports that this missense variant has a deleterious effect on protein structure/function; In silico analysis supports a deleterious effect on splicing; Has not been previously published as pathogenic or benign to our knowledge

NM_019842.4(KCNQ5):c.616G>A (p.Asp206Asn)

Gene: KCNQ5 (potassium voltage-gated channel subfamily Q member 5; plus strand). Cytogenetic location: 6q13.
Variant type: single nucleotide variant.
Coding change: c.616G>A on transcript NM_019842.4 (MANE Select); coding-DNA position 616, G replaced by A.
Protein change: p.Asp206Asn; replaces aspartic acid 206 with asparagine.
Molecular consequence: missense variant.
Genome position (GRCh38, 1-based): chr6:73,042,062, G>A. VCF-style: chr6-73042062-G-A. GRCh37 (hg19) VCF-style: chr6-73751785-G-A.
Other names: c.616G>A, p.Asp206Asn (NM_001160130.2, NM_001160132.2, NM_001160133.2 and 1 more transcripts); short protein forms D206N.
Identifiers: ClinVar variation 5037441 (VCV005037441.1).